The following is an entry in ClinVar:

ClinVar aggregate classification (germline): Uncertain significance (1 of 4 stars; one submission).

Allele frequency attached by ClinVar (database versions not stated): ExAC 0.00001; gnomAD exomes 0.00001; ESP Exome Variant Server 0.00008.
gnomAD v4.1: 8 of 1,613,798 alleles (0.0005%); highest among the groups gnomAD compares: East Asian, 0.0022%; no homozygotes.

Submission:

Labcorp Genetics (formerly Invitae), Labcorp
Classification: Uncertain significance. Last evaluated: 2025-05-16. Review status: criteria provided, single submitter. Criteria: Invitae Variant Classification Sherloc (09022015). Collection method: clinical testing. Allele origin: germline.
Comment: This sequence change replaces arginine, which is basic and polar, with histidine, which is basic and polar, at codon 313 of the VAC14 protein (p.Arg313His). This variant is present in population databases (rs140438330, gnomAD 0.002%). This variant has not been reported in the literature in individuals affected with VAC14-related conditions. ClinVar contains an entry for this variant (Variation ID: 2192291). Invitae Evidence Modeling of protein sequence and biophysical properties (such as structural, functional, and spatial information, amino acid conservation, physicochemical variation, residue mobility, and thermodynamic stability) indicates that this missense variant is not expected to disrupt VAC14 protein function with a negative predictive value of 80%. In summary, the available evidence is currently insufficient to determine the role of this variant in disease. Therefore, it has been classified as a Variant of Uncertain Significance.

NM_018052.5(VAC14):c.938G>A (p.Arg313His)

Gene: VAC14 (VAC14 component of PIKFYVE complex; minus strand). Cytogenetic location: 16q22.1.
Variant type: single nucleotide variant.
Coding change: c.938G>A on transcript NM_018052.5 (MANE Select); coding-DNA position 938, G replaced by A.
Protein change: p.Arg313His; replaces arginine 313 with histidine.
Molecular consequence: missense variant.
Genome position (GRCh38, 1-based): chr16:70,781,877, C>T on the plus strand (G>A on the coding strand, the complement: VAC14 is on the minus strand). VCF-style: chr16-70781877-C-T. GRCh37 (hg19) VCF-style: chr16-70815780-C-T.
Other names: c.236G>A, p.Arg79His (NM_001351157.2); short protein forms R313H, R79H.
Identifiers: ClinVar variation 2192291 (VCV002192291.4), dbSNP rs140438330, ClinGen allele CA8147900.